The following is an entry in ClinVar:

NM_032130.3(FAM186B):c.2593G>A (p.Ala865Thr)

Gene: FAM186B (family with sequence similarity 186 member B; minus strand). Cytogenetic location: 12q13.12.
Variant type: single nucleotide variant.
Coding change: c.2593G>A on transcript NM_032130.3 (MANE Select); coding-DNA position 2593, G replaced by A.
Protein change: p.Ala865Thr; replaces alanine 865 with threonine.
Molecular consequence: missense variant.
Genome position (GRCh38, 1-based): chr12:49,587,694, C>T on the plus strand (G>A on the coding strand, the complement: FAM186B is on the minus strand). VCF-style: chr12-49587694-C-T. GRCh37 (hg19) VCF-style: chr12-49981477-C-T.
Other names: short protein forms A865T.
Identifiers: ClinVar variation 4692013 (VCV004692013.1).

ClinVar aggregate classification (germline): Uncertain significance (1 of 4 stars; one submission).

gnomAD v4.1: 20 of 1,613,928 alleles (0.0012%); highest among the groups gnomAD compares: Admixed American, 0.005%; no homozygotes.

Submission:

Labcorp Genetics (formerly Invitae), Labcorp
Classification: Uncertain significance. Last evaluated: 2025-10-01. Review status: criteria provided, single submitter. Criteria: Invitae Variant Classification Sherloc (09022015). Collection method: clinical testing. Allele origin: germline.
Comment: This sequence change replaces alanine, which is neutral and non-polar, with threonine, which is neutral and polar, at codon 865 of the FAM186B protein (p.Ala865Thr). The frequency data for this variant in the population databases is considered unreliable, as metrics indicate poor data quality at this position in the gnomAD database. This missense change has been observed in individual(s) with FAM186B-related conditions (PMID: 31785789, 33057194, 35982159). An algorithm developed to predict the effect of missense changes on protein structure and function (PolyPhen-2) suggests that this variant is likely to be tolerated. In summary, the available evidence is currently insufficient to determine the role of this variant in disease. Therefore, it has been classified as a Variant of Uncertain Significance.

Literature cited by the submitters: PubMed 31785789; PubMed 33057194; PubMed 35982159.